The following is an entry in ClinVar:

NM_182914.3(SYNE2):c.58G>T (p.Asp20Tyr)

Gene: SYNE2 (spectrin repeat containing nuclear envelope protein 2; plus strand). Cytogenetic location: 14q23.2.
Variant type: single nucleotide variant.
Coding change: c.58G>T on transcript NM_182914.3 (MANE Select); coding-DNA position 58, G replaced by T.
Protein change: p.Asp20Tyr; replaces aspartic acid 20 with tyrosine.
Molecular consequence: missense variant.
Genome position (GRCh38, 1-based): chr14:63,909,206, G>T. VCF-style: chr14-63909206-G-T. GRCh37 (hg19) VCF-style: chr14-64375924-G-T.
Other names: c.58G>T, p.Asp20Tyr (NM_015180.6); short protein forms D20Y.
Identifiers: ClinVar variation 576861 (VCV000576861.10), dbSNP rs770930910, ClinGen allele CA389934787.
Genomic context (GRCh38, chr14:63,909,206, plus strand): 5'-AGAATGGCATCTAGTCCTGAGCTTCCCACCGAAGATGAACAGGGTTCCTGGGGCATCGAC[G>T]ATCTCCATATTTCATTGCAAGGTAATTAAGATTGGGTGGGGGTAACACCCACAGAAACTG-3'
Protein context (NP_878918.2, residues 10-30): EDEQGSWGID[Asp20Tyr]LHISLQAEQE

ClinVar aggregate classification (germline): Uncertain significance. Review status: criteria provided, multiple submitters, no conflicts (2 of 4 stars). 2 submissions from 2 submitters: Uncertain significance (2). Last evaluated 2025-09-14.

Conditions:
Emery-Dreifuss muscular dystrophy 5, autosomal dominant (EDMD5). Also called: EMERY-DREIFUSS MUSCULAR DYSTROPHY 5. Identifiers: Orphanet 261, MedGen C2751805, MONDO:0013072, OMIM 612999.

Allele frequency attached by ClinVar (database versions not stated): TOPMed 0.00002.

Submissions (2):

Labcorp Genetics (formerly Invitae), Labcorp
Classification: Uncertain significance for Emery-Dreifuss muscular dystrophy 5, autosomal dominant. Last evaluated: 2025-09-14. Review status: criteria provided, single submitter. Criteria: Invitae Variant Classification Sherloc (09022015). Collection method: clinical testing. Allele origin: germline.
Comment: This sequence change replaces aspartic acid, which is acidic and polar, with tyrosine, which is neutral and polar, at codon 20 of the SYNE2 protein (p.Asp20Tyr). This variant is not present in population databases (gnomAD no frequency). This variant has not been reported in the literature in individuals affected with SYNE2-related conditions. ClinVar contains an entry for this variant (Variation ID: 576861). An algorithm developed to predict the effect of missense changes on protein structure and function (PolyPhen-2) suggests that this variant is likely to be disruptive. In summary, the available evidence is currently insufficient to determine the role of this variant in disease. Therefore, it has been classified as a Variant of Uncertain Significance.

Ambry Genetics
Classification: Uncertain significance. Last evaluated: 2025-08-21. Review status: criteria provided, single submitter. Criteria: Ambry Variant Classification Scheme 2023. Collection method: clinical testing. Allele origin: germline.